The following is an entry in ClinVar:

ClinVar aggregate classification (germline): Uncertain significance. Review status: criteria provided, multiple submitters, no conflicts (2 of 4 stars). 2 submissions from 2 submitters: Uncertain significance (2). Last evaluated 2024-09-23.

Conditions:
Familial thoracic aortic aneurysm and aortic dissection (TAAD). Also called: Thoracic aortic aneurysms and dissections. Identifiers: Orphanet 91387, MedGen C4707243, MONDO:0019625.
Marfan syndrome (MFS). Also called: MARFAN SYNDROME, TYPE I; Marfan syndrome type 1; Marfan's syndrome; FBN1-Related Marfan Syndrome; Marfan syndrome, classic. Identifiers: Orphanet 284963, Orphanet 558, MedGen C0024796, MONDO:0007947, OMIM 154700.

gnomAD v4.1: 13 of 1,614,162 alleles (0.00081%); highest among the groups gnomAD compares: East Asian, 0.0022%; no homozygotes.

Submissions (2):

Color Diagnostics, LLC DBA Color Health
Classification: Uncertain significance for Familial thoracic aortic aneurysm and aortic dissection. Last evaluated: 2024-09-23. Review status: criteria provided, single submitter. Criteria: ACMG Guidelines, 2015. Collection method: clinical testing. Allele origin: germline.
Comment: This missense variant replaces glutamic acid with alanine at codon 863 of the FBN1 protein. Computational prediction tools indicate that this variant has a deleterious impact on protein structure and function. To our knowledge, functional studies have not been reported for this variant. This variant has not been reported in individuals affected with FBN1-related disorders in the literature. This variant has been identified in 1/251460 chromosomes in the general population by the Genome Aggregation Database (gnomAD). The available evidence is insufficient to determine the role of this variant in disease conclusively. Therefore, this variant is classified as a Variant of Uncertain Significance.

All of Us Research Program, National Institutes of Health
Classification: Uncertain significance for Marfan syndrome. Last evaluated: 2024-08-01. Review status: criteria provided, single submitter. Criteria: ACMG Guidelines, 2015. Collection method: clinical testing. Allele origin: germline. Inheritance: Autosomal dominant inheritance. Observed: 1 variant allele, 1 heterozygote.
Comment: This study involves interpretation of variants in research participants for the purpose of population health screening. Participant phenotype was not available at the time of variant classification. Additional details can be found in publication PMID: 35346344, PMCID: PMC8962531

NM_000138.5(FBN1):c.2588A>C (p.Glu863Ala)

Gene: FBN1 (fibrillin 1; minus strand). Cytogenetic location: 15q21.1.
Variant type: single nucleotide variant.
Coding change: c.2588A>C on transcript NM_000138.5 (MANE Select); coding-DNA position 2588, A replaced by C.
Protein change: p.Glu863Ala; replaces glutamic acid 863 with alanine.
Molecular consequence: missense variant.
Genome position (GRCh38, 1-based): chr15:48,495,212, T>G on the plus strand (A>C on the coding strand, the complement: FBN1 is on the minus strand). VCF-style: chr15-48495212-T-G. GRCh37 (hg19) VCF-style: chr15-48787409-T-G.
Other names: c.2588A>C, p.Glu863Ala (NM_001406716.1); short protein forms E863A.
Identifiers: ClinVar variation 3386837 (VCV003386837.2).
Genomic context (GRCh38, chr15:48,495,212, plus strand): 5'-CACGCAGCACCGAGGGAGGAGCAGCACTGGGACTTTAAGGTGGCTCCATTGATGTTGATC[T>G]CACATCGCCCATCAATGACAGTCTGCCAGCAAGTGCCCTTGATGGTTTCTGCAGAGGAGG-3'
Protein context (NP_000129.3, residues 853-873): CWQTVIDGRC[Glu863Ala]ININGATLKS